The following is an entry in ClinVar:

NM_002227.4(JAK1):c.1972G>T (p.Val658Phe)

Genes: JAK1 (Janus kinase 1; minus strand), LOC126805749 (BRD4-independent group 4 enhancer GRCh37_chr1:65312286-65313485; plus strand). Cytogenetic location: 1p31.3.
Variant type: single nucleotide variant.
Coding change: c.1972G>T on transcript NM_002227.4 (MANE Select); coding-DNA position 1972, G replaced by T.
Protein change: p.Val658Phe; replaces valine 658 with phenylalanine.
Molecular consequence: missense variant.
Genome position (GRCh38, 1-based): chr1:64,846,664, C>A on the plus strand (G>T on the coding strand, the complement: JAK1 is on the minus strand). VCF-style: chr1-64846664-C-A. GRCh37 (hg19) VCF-style: chr1-65312347-C-A.
Other names: c.1972G>T, p.Val658Phe (NM_001320923.2, NM_001321852.2, NM_001321853.2 and 3 more transcripts); c.1969G>T, p.Val657Phe (NM_001321857.2); short protein forms V658F, V657F.
Identifiers: ClinVar variation 4530518 (VCV004530518.1), dbSNP rs1057519753.

ClinVar aggregate classification (somatic clinical impact): Tier II - Potential (1 of 4 stars; one submission).

Conditions:
Inflammatory myofibroblastic tumor. Also called: Inflammatory pseudotumor; Inflammatory fibrosarcoma. Identifiers: Orphanet 178342, MedGen C0334121, MONDO:0015798.

Submission:

Institute for Genomic Medicine (IGM) Clinical Laboratory, Nationwide Children's Hospital
Classification: Tier II - Potential for Inflammatory myofibroblastic tumor. Assertion type: diagnostic. Clinical significance: supports diagnosis. Last evaluated: 2023-12-07. Review status: criteria provided, single submitter. Criteria: AMP/ASCO/CAP Guidelines, 2017. Collection method: clinical testing. Allele origin: somatic. Affected: yes.
Comment: Variant has Tier II (potential) clinical significance as a diagnostic inclusion criterion in inflammatory myofibroblastic tumor, based on the following evidence: 1) Information in the literature supports potential biologic effect of variant (PMID: 20868368). 2) Assists in diagnosis alone or along with other biomarkers based on small studies or few case reports (Evidence Level D).

Literature cited by the submitters: PubMed 20868368.